The following is an entry in ClinVar:

ClinVar aggregate classification (germline): Uncertain significance (1 of 4 stars; one submission).

Conditions:
Catecholaminergic polymorphic ventricular tachycardia 1. Also called: VENTRICULAR TACHYCARDIA, CATECHOLAMINERGIC POLYMORPHIC, 1, WITH OR WITHOUT ATRIAL DYSFUNCTION AND/OR DILATED CARDIOMYOPATHY; VENTRICULAR TACHYCARDIA, STRESS-INDUCED POLYMORPHIC 1; RYR2-Related Catecholaminergic Polymorphic Ventricular Tachycardia. Identifiers: Orphanet 3286, MedGen C1631597, MONDO:0011484, OMIM 604772.

Submission:

Labcorp Genetics (formerly Invitae), Labcorp
Classification: Uncertain significance for Catecholaminergic polymorphic ventricular tachycardia 1. Last evaluated: 2019-12-23. Review status: criteria provided, single submitter. Criteria: Invitae Variant Classification Sherloc (09022015). Collection method: clinical testing. Allele origin: germline.
Comment: In summary, the available evidence is currently insufficient to determine the role of this variant in disease. Therefore, it has been classified as a Variant of Uncertain Significance. Algorithms developed to predict the effect of missense changes on protein structure and function are either unavailable or do not agree on the potential impact of this missense change (SIFT: "Deleterious"; PolyPhen-2: "Possibly Damaging"; Align-GVGD: "Class C0"). This variant has not been reported in the literature in individuals with TRDN-related conditions. This variant is not present in population databases (ExAC no frequency). This sequence change replaces valine with glycine at codon 677 of the TRDN protein (p.Val677Gly). The valine residue is moderately conserved and there is a moderate physicochemical difference between valine and glycine.

NM_006073.4(TRDN):c.2030T>G (p.Val677Gly)

Gene: TRDN (triadin; minus strand). Cytogenetic location: 6q22.31.
Variant type: single nucleotide variant.
Coding change: c.2030T>G on transcript NM_006073.4 (MANE Select); coding-DNA position 2030, T replaced by G.
Protein change: p.Val677Gly; replaces valine 677 with glycine.
Molecular consequence: missense variant.
Genome position (GRCh38, 1-based): chr6:123,221,507, A>C on the plus strand (T>G on the coding strand, the complement: TRDN is on the minus strand). VCF-style: chr6-123221507-A-C. GRCh37 (hg19) VCF-style: chr6-123542652-A-C.
Other names: short protein forms V677G.
Identifiers: ClinVar variation 845787 (VCV000845787.11), dbSNP rs1775146927, ClinGen allele CA365565297.